The following is an entry in ClinVar:

NM_017636.4(TRPM4):c.2245G>T (p.Val749Phe)

Gene: TRPM4 (transient receptor potential cation channel subfamily M member 4; plus strand). Cytogenetic location: 19q13.33.
Variant type: single nucleotide variant.
Coding change: c.2245G>T on transcript NM_017636.4 (MANE Select); coding-DNA position 2245, G replaced by T.
Protein change: p.Val749Phe; replaces valine 749 with phenylalanine.
Molecular consequence: missense variant. On other transcripts: intron variant (1).
Genome position (GRCh38, 1-based): chr19:49,196,474, G>T. VCF-style: chr19-49196474-G-T. GRCh37 (hg19) VCF-style: chr19-49699731-G-T.
Other names: c.1900G>T, p.Val634Phe (NM_001321281.2); c.637G>T, p.Val213Phe (NM_001321282.2); c.1723G>T, p.Val575Phe (NM_001321283.2); c.1183G>T, p.Val395Phe (NM_001321285.2); c.2211-3826G>T (NM_001195227.2); short protein forms V395F, V575F, V634F, V749F, V213F.
Identifiers: ClinVar variation 1969821 (VCV001969821.5), dbSNP rs888223056, ClinGen allele CA309454821.

ClinVar aggregate classification (germline): Uncertain significance (1 of 4 stars; one submission).

Conditions:
Progressive familial heart block type IB (PFHB1B). Identifiers: Orphanet 871, MedGen C1970298, MONDO:0011474, OMIM 604559.

Submission:

Labcorp Genetics (formerly Invitae), Labcorp
Classification: Uncertain significance for Progressive familial heart block type IB. Last evaluated: 2022-01-06. Review status: criteria provided, single submitter. Criteria: Invitae Variant Classification Sherloc (09022015). Collection method: clinical testing. Allele origin: germline.
Comment: In summary, the available evidence is currently insufficient to determine the role of this variant in disease. Therefore, it has been classified as a Variant of Uncertain Significance. Algorithms developed to predict the effect of missense changes on protein structure and function (SIFT, PolyPhen-2, Align-GVGD) all suggest that this variant is likely to be tolerated. This variant has not been reported in the literature in individuals affected with TRPM4-related conditions. This variant is not present in population databases (gnomAD no frequency). This sequence change replaces valine, which is neutral and non-polar, with phenylalanine, which is neutral and non-polar, at codon 749 of the TRPM4 protein (p.Val749Phe).